The following is an entry in ClinVar:

ClinVar aggregate classification (germline): Likely pathogenic (1 of 4 stars; one submission).

Submission:

GeneDx
Classification: Likely pathogenic. Last evaluated: 2016-11-03. Review status: criteria provided, single submitter. Criteria: GeneDx Variant Classification (06012015). Collection method: clinical testing. Allele origin: germline. Affected: yes.
Comment: The G1322R variant in the CHD8 gene has not been reported previously as a pathogenic variant, noras a benign variant, to our knowledge. The G1322R variant was not observed in approximately 6200individuals of European and African American ancestry in the NHLBI Exome Sequencing Project,indicating it is not a common benign variant in these populations. The G1322R variant is anon-conservative amino acid substitution, which is likely to impact secondary protein structure asthese residues differ in polarity, charge, size and/or other properties. This substitution occurs at aposition that is conserved across species and in silico analysis predicts this variant is probablydamaging to the protein structure/function. The G1322R variant is a strong candidate for a pathogenic variant

NM_001170629.2(CHD8):c.3964G>C (p.Gly1322Arg)

Gene: CHD8 (chromodomain helicase DNA binding protein 8; minus strand). Cytogenetic location: 14q11.2.
Variant type: single nucleotide variant.
Coding change: c.3964G>C on transcript NM_001170629.2 (MANE Select); coding-DNA position 3964, G replaced by C.
Protein change: p.Gly1322Arg; replaces glycine 1322 with arginine.
Molecular consequence: missense variant.
Genome position (GRCh38, 1-based): chr14:21,402,055, C>G on the plus strand (G>C on the coding strand, the complement: CHD8 is on the minus strand). VCF-style: chr14-21402055-C-G. GRCh37 (hg19) VCF-style: chr14-21870214-C-G.
Other names: c.3127G>C, p.Gly1043Arg (NM_020920.4); short protein forms G1043R, G1322R.
Identifiers: ClinVar variation 390288 (VCV000390288.2), dbSNP rs1057523712, ClinGen allele CA16607584.
Genomic context (GRCh38, chr14:21,402,055, plus strand): 5'-TGATGGTTGTAGTTCGTCTTAACAAGATCTGGTCAATGTCCTCTTCACAAAACTTGGAGC[C>G]TTCATCATCTTCCTCCATGATGGCTGCATATGCTCCTTTTCTTAAAAGATCTTCAATCTC-3'
Protein context (NP_001164100.1, residues 1312-1332): YAAIMEEDDE[Gly1322Arg]SKFCEEDIDQ